The following is an entry in ClinVar:

NM_012082.4(ZFPM2):c.3086A>T (p.Lys1029Ile)

Genes: ZFPM2 (zinc finger protein, FOG family member 2; plus strand), ZFPM2-AS1 (ZFPM2 antisense RNA 1; minus strand), LOC126860469 (BRD4-independent group 4 enhancer GRCh37_chr8:106814445-106815644; plus strand). Cytogenetic location: 8q23.1.
Variant type: single nucleotide variant.
Coding change: c.3086A>T on transcript NM_012082.4 (MANE Select); coding-DNA position 3086, A replaced by T.
Protein change: p.Lys1029Ile; replaces lysine 1029 with isoleucine.
Molecular consequence: missense variant.
Genome position (GRCh38, 1-based): chr8:105,803,168, A>T. VCF-style: chr8-105803168-A-T. GRCh37 (hg19) VCF-style: chr8-106815396-A-T.
Other names: c.2927A>T, p.Lys976Ile (NM_001362836.2); c.2690A>T, p.Lys897Ile (NM_001362837.2); short protein forms K1029I, K976I, K897I.
Identifiers: ClinVar variation 544220 (VCV000544220.11), dbSNP rs201729935, ClinGen allele CA4840020.
Genomic context (GRCh38, chr8:105,803,168, plus strand): 5'-ATGCAGAAAATGAATCTCCTAAAGGCCAGGCTTCCTCAAATGGGTGTGCTGCGCTGAAGA[A>T]AGATTCTCTGCCATTGTTGCCCAAAAATCGAGGAATGGTAATAGTGAATGGTGGACTGAA-3'
Protein context (NP_036214.2, residues 1019-1039): ASSNGCAALK[Lys1029Ile]DSLPLLPKNR

ClinVar aggregate classification (germline): Uncertain significance. Review status: criteria provided, multiple submitters, no conflicts (2 of 4 stars). 3 submissions from 3 submitters: Uncertain significance (3). Last evaluated 2025-12-11.

Conditions:
46,XY sex reversal 9 (SRXY9). Also called: 46,XY SEX REVERSAL, ZFPM2-RELATED. Identifiers: Orphanet 251510, MedGen C4015129, MONDO:0014480, OMIM 616067.
Diaphragmatic hernia 3 (DIH3). Identifiers: Orphanet 2140, MedGen C1857781, MONDO:0012431, OMIM 610187.
Tetralogy of Fallot (TOF). Identifiers: Orphanet 3303, MedGen C0039685, MONDO:0008542, OMIM 187500, HP:0001636.

Allele frequency attached by ClinVar (database versions not stated): gnomAD exomes 0.00022 and 0.00025; TOPMed 0.00022; gnomAD 0.00024 and 0.00026; ESP Exome Variant Server 0.00025; ExAC 0.00032.
gnomAD v4.1: 403 of 1,613,796 alleles (0.025%); highest among the groups gnomAD compares: Non-Finnish European, 0.032%; no homozygotes.

Submissions (3):

Labcorp Genetics (formerly Invitae), Labcorp
Classification: Uncertain significance for 46,XY sex reversal 9. Last evaluated: 2025-12-11. Review status: criteria provided, single submitter. Criteria: Invitae Variant Classification Sherloc (09022015). Collection method: clinical testing. Allele origin: germline.
Comment: This sequence change replaces lysine, which is basic and polar, with isoleucine, which is neutral and non-polar, at codon 1029 of the ZFPM2 protein (p.Lys1029Ile). This variant is present in population databases (rs201729935, gnomAD 0.05%), and has an allele count higher than expected for a pathogenic variant. This missense change has been observed in individuals with congenital diaphragmatic hernia (PMID: 24702427, 25107291). ClinVar contains an entry for this variant (Variation ID: 544220). An algorithm developed to predict the effect of missense changes on protein structure and function (PolyPhen-2) suggests that this variant is likely to be disruptive. In summary, the available evidence is currently insufficient to determine the role of this variant in disease. Therefore, it has been classified as a Variant of Uncertain Significance.

Department of Pathology and Laboratory Medicine, Sinai Health System
Classification: Uncertain significance for Tetralogy of Fallot; Diaphragmatic hernia 3; 46,XY sex reversal 9. Last evaluated: 2022-08-08. Review status: criteria provided, single submitter. Criteria: ACMG Guidelines, 2015. Collection method: research. Allele origin: germline.

Mendelics
Classification: Uncertain significance for 46,XY sex reversal 9. Last evaluated: 2019-05-28. Review status: criteria provided, single submitter. Criteria: Mendelics Assertion Criteria 2017. Collection method: clinical testing. Allele origin: unknown.

Literature cited by the submitters: PubMed 24702427 (cited by Labcorp Genetics (formerly Invitae), Labcorp); PubMed 25107291 (cited by Labcorp Genetics (formerly Invitae), Labcorp).